The following is an entry in ClinVar:

ClinVar aggregate classification (germline): Likely benign. Review status: criteria provided, multiple submitters, no conflicts (2 of 4 stars). 2 submissions from 2 submitters: Likely benign (2). Last evaluated 2026-03-16.

Conditions:
HUWE1-related disorder. Also called: HUWE1-related condition.

Allele frequency attached by ClinVar (database versions not stated): ExAC 0.00001; gnomAD exomes 0.00001; TOPMed 0.00002.
gnomAD v4.1: 13 of 1,209,049 alleles (0.0011%); highest among the groups gnomAD compares: African/African-American, 0.014%; no homozygotes.

Submissions (2):

PreventionGenetics, part of Exact Sciences
Classification: Likely benign for HUWE1-related condition. Last evaluated: 2026-03-16. Review status: criteria provided, single submitter. Criteria: ACMG Guidelines, 2015. Collection method: clinical testing. Allele origin: germline.
Comment: This variant is classified as likely benign based on ACMG/AMP sequence variant interpretation guidelines (Richards et al. 2015 PMID: 25741868, with internal and published modifications).

Labcorp Genetics (formerly Invitae), Labcorp
Classification: Likely benign. Last evaluated: 2025-03-18. Review status: criteria provided, single submitter. Criteria: Invitae Variant Classification Sherloc (09022015). Collection method: clinical testing. Allele origin: germline.

NM_031407.7(HUWE1):c.3642G>A (p.Thr1214=)

Genes: HUWE1 (HECT, UBA and WWE domain containing E3 ubiquitin protein ligase 1; minus strand), LOC126863263 (BRD4-independent group 4 enhancer GRCh37_chrX:53619238-53620437; plus strand). Cytogenetic location: Xp11.22.
Variant type: single nucleotide variant.
Coding change: c.3642G>A on transcript NM_031407.7 (MANE Select); coding-DNA position 3642, G replaced by A.
Protein change: p.Thr1214=; no amino-acid change (threonine 1214 retained).
Molecular consequence: synonymous variant.
Genome position (GRCh38, 1-based): chrX:53,593,463, C>T on the plus strand (G>A on the coding strand, the complement: HUWE1 is on the minus strand). VCF-style: chrX-53593463-C-T. GRCh37 (hg19) VCF-style: chrX-53620423-C-T.
Identifiers: ClinVar variation 743175 (VCV000743175.10), dbSNP rs782459307, ClinGen allele CA10422545.
Genomic context (GRCh38, chrX:53,593,463, plus strand): 5'-GGGAAAGTTCTGGACACCTCCAGGCAATTTGGCAGGCAGCGAATGTGGAGATTCAAGCAC[C>T]GTGGTGGGATTCACCATCTTCTCCACCAGCATAAGCCAGGCATCTAGGAATTCTCCTGTG-3'
Protein context (NP_113584.3, residues 1204-1224): MLVEKMVNPT[Thr1214=]VLESPHSLPA